The following is an entry in ClinVar:

ClinVar aggregate classification (germline): Uncertain significance. Review status: criteria provided, multiple submitters, no conflicts (2 of 4 stars). 4 submissions from 4 submitters: Uncertain significance (4). Last evaluated 2026-07-08.

Conditions:
Wilson-Turner syndrome (WTS). Also called: MENTAL RETARDATION, X-LINKED, SYNDROMIC 6; INTELLECTUAL DEVELOPMENTAL DISORDER, X-LINKED, SYNDROMIC, WILSON-TURNER TYPE. Identifiers: Orphanet 3459, MedGen C1839736, MONDO:0010665, OMIM 309585.

Allele frequency attached by ClinVar (database versions not stated): gnomAD exomes below 0.00001; gnomAD 0.00001; TOPMed 0.00008.
gnomAD v4.1: 4 of 1,210,390 alleles (0.00033%); highest among the groups gnomAD compares: Admixed American, 0.0022%; no homozygotes.

Submissions (4):

Ambry Genetics
Classification: Uncertain significance. Last evaluated: 2026-07-08. Review status: criteria provided, single submitter. Criteria: Ambry Variant Classification Scheme 2023. Collection method: clinical testing. Allele origin: germline.
Comment: The c.1871G>A (p.R624K) alteration is located in exon 12 (coding exon 12) of the LAS1L gene. This alteration results from a G to A substitution at nucleotide position 1871, causing the arginine (R) at amino acid position 624 to be replaced by a lysine (K). Based on data from gnomAD, the A allele has an overall frequency of 0.005% (1/22094) total alleles studied. The highest observed frequency was 0.017% (1/5939) of African alleles. Based on insufficient or conflicting evidence, the clinical significance of this alteration remains unclear.

Labcorp Genetics (formerly Invitae), Labcorp
Classification: Uncertain significance for Wilson-Turner syndrome. Last evaluated: 2025-11-23. Review status: criteria provided, single submitter. Criteria: Invitae Variant Classification Sherloc (09022015). Collection method: clinical testing. Allele origin: germline.
Comment: This sequence change replaces arginine, which is basic and polar, with lysine, which is basic and polar, at codon 624 of the LAS1L protein (p.Arg624Lys). This variant is present in population databases (no rsID available, gnomAD 0.02%). This variant has not been reported in the literature in individuals affected with LAS1L-related conditions. ClinVar contains an entry for this variant (Variation ID: 1690406). Invitae Evidence Modeling of protein sequence and biophysical properties (such as structural, functional, and spatial information, amino acid conservation, physicochemical variation, residue mobility, and thermodynamic stability) indicates that this missense variant is not expected to disrupt LAS1L protein function with a negative predictive value of 80%. In summary, the available evidence is currently insufficient to determine the role of this variant in disease. Therefore, it has been classified as a Variant of Uncertain Significance.

Laboratorio de Genetica e Diagnostico Molecular, Hospital Israelita Albert Einstein
Classification: Uncertain significance. Last evaluated: 2021-06-21. Review status: criteria provided, single submitter. Criteria: ACMG Guidelines, 2015. Collection method: clinical testing. Allele origin: germline. Affected: yes.
Comment: ACMG classification criteria: PM2, BP4

Breakthrough Genomics
Classification: Uncertain significance. Review status: criteria provided, single submitter. Criteria: ACMG Guidelines, 2015. Collection method: not provided. Allele origin: germline. Inheritance: X-linked recessive inheritance. Affected: yes.

NM_031206.7(LAS1L):c.1871G>A (p.Arg624Lys)

Gene: LAS1L (LAS1 like ribosome biogenesis factor; minus strand). Cytogenetic location: Xq12.
Variant type: single nucleotide variant.
Coding change: c.1871G>A on transcript NM_031206.7 (MANE Select); coding-DNA position 1871, G replaced by A.
Protein change: p.Arg624Lys; replaces arginine 624 with lysine.
Molecular consequence: missense variant. On other transcripts: non-coding transcript variant (1).
Genome position (GRCh38, 1-based): chrX:65,518,043, C>T on the plus strand (G>A on the coding strand, the complement: LAS1L is on the minus strand). VCF-style: chrX-65518043-C-T. GRCh37 (hg19) VCF-style: chrX-64737923-C-T.
Other names: c.1820G>A, p.Arg607Lys (NM_001170649.2, NM_001375333.1); c.1694G>A, p.Arg565Lys (NM_001170650.2); c.1871G>A, p.Arg624Lys (NM_001375328.1); c.1871G>A (NM_031206.4); c.914G>A, p.Arg305Lys (NM_001375332.1); short protein forms R305K, R565K, R607K, R624K.
Identifiers: ClinVar variation 1690406 (VCV001690406.10), dbSNP rs370120927, ClinGen allele CA329965089.
Genomic context (GRCh38, chrX:65,518,043, plus strand): 5'-TTACCTGAGCTAACCTGCCATGCAGAGCCCTGCAAAGCTCCTCTTTTCTGGGCCAGAAGC[C>T]TAGCATTCTCGGCAGTGGGGGACTCTTGCCCTGTAGAGAAAGGCCCCACCTCCATTCTGT-3'
Protein context (NP_112483.1, residues 614-634): GQESPTAENA[Arg624Lys]LLAQKRGALQ